The following is an entry in ClinVar:

ClinVar aggregate classification (germline): Uncertain significance (1 of 4 stars; one submission).

Conditions:
Cardiovascular phenotype. Identifiers: MedGen CN230736.

Allele frequency attached by ClinVar (database versions not stated): gnomAD exomes 0.00001; TOPMed 0.00001.
gnomAD v4.1: 3 of 1,610,068 alleles (0.00019%); highest among the groups gnomAD compares: African/African-American, 0.004%; no homozygotes.

Submission:

Ambry Genetics
Classification: Uncertain significance for Cardiovascular phenotype. Last evaluated: 2023-03-16. Review status: criteria provided, single submitter. Criteria: Ambry Variant Classification Scheme 2023. Collection method: clinical testing. Allele origin: germline.
Comment: The p.F35L variant (also known as c.103T>C), located in coding exon 2 of the PRDM5 gene, results from a T to C substitution at nucleotide position 103. The phenylalanine at codon 35 is replaced by leucine, an amino acid with highly similar properties. This amino acid position is conserved. In addition, the in silico prediction for this alteration is inconclusive. Since supporting evidence is limited at this time, the clinical significance of this alteration remains unclear.

NM_018699.4(PRDM5):c.103T>C (p.Phe35Leu)

Gene: PRDM5 (PR/SET domain 5; minus strand). Cytogenetic location: 4q27.
Variant type: single nucleotide variant.
Coding change: c.103T>C on transcript NM_018699.4 (MANE Select); coding-DNA position 103, T replaced by C.
Protein change: p.Phe35Leu; replaces phenylalanine 35 with leucine.
Molecular consequence: missense variant.
Genome position (GRCh38, 1-based): chr4:120,907,548, A>G on the plus strand (T>C on the coding strand, the complement: PRDM5 is on the minus strand). VCF-style: chr4-120907548-A-G. GRCh37 (hg19) VCF-style: chr4-121828703-A-G.
Other names: c.103T>C, p.Phe35Leu (NM_001300823.2, NM_001300824.2, NM_001379104.1 and 1 more transcripts); short protein forms F35L.
Identifiers: ClinVar variation 2562034 (VCV002562034.2), dbSNP rs1265592577, ClinGen allele CA358209692.